The following is an entry in ClinVar:

NM_000026.4(ADSL):c.475C>T (p.His159Tyr)

Gene: ADSL (adenylosuccinate lyase; plus strand). Cytogenetic location: 22q13.1.
Variant type: single nucleotide variant.
Coding change: c.475C>T on transcript NM_000026.4 (MANE Select); coding-DNA position 475, C replaced by T.
Protein change: p.His159Tyr; replaces histidine 159 with tyrosine.
Molecular consequence: missense variant. On other transcripts: non-coding transcript variant (1).
Genome position (GRCh38, 1-based): chr22:40,354,320, C>T. VCF-style: chr22-40354320-C-T. GRCh37 (hg19) VCF-style: chr22-40750324-C-T.
Other names: c.475C>T, p.His159Tyr (NM_001123378.3, NM_001363840.3); c.283C>T, p.His95Tyr (NM_001317923.2); short protein forms H95Y, H159Y.
Identifiers: ClinVar variation 938132 (VCV000938132.1), dbSNP rs1310213333, ClinGen allele CA411639207.

ClinVar aggregate classification (germline): Uncertain significance (1 of 4 stars; one submission).

Conditions:
Adenylosuccinate lyase deficiency (ADSLD). Also called: ADSL DEFICIENCY. Identifiers: Orphanet 46, MedGen C0268126, MONDO:0007068, OMIM 103050.

Allele frequency attached by ClinVar (database versions not stated): gnomAD 0.00001; TOPMed 0.00001.
gnomAD v4.1: 2 of 1,613,516 alleles (0.00012%); highest among the groups gnomAD compares: African/African-American, 0.0027%; no homozygotes.

Submission:

Labcorp Genetics (formerly Invitae), Labcorp
Classification: Uncertain significance for Adenylosuccinate lyase deficiency. Last evaluated: 2019-09-03. Review status: criteria provided, single submitter. Criteria: Invitae Variant Classification Sherloc (09022015). Collection method: clinical testing. Allele origin: germline.
Comment: This sequence change replaces histidine with tyrosine at codon 159 of the ADSL protein (p.His159Tyr). The histidine residue is highly conserved and there is a moderate physicochemical difference between histidine and tyrosine. This variant is not present in population databases (ExAC no frequency). This variant has not been reported in the literature in individuals with ADSL-related conditions. Algorithms developed to predict the effect of missense changes on protein structure and function (SIFT, PolyPhen-2, Align-GVGD) all suggest that this variant is likely to be disruptive, but these predictions have not been confirmed by published functional studies and their clinical significance is uncertain. In summary, the available evidence is currently insufficient to determine the role of this variant in disease. Therefore, it has been classified as a Variant of Uncertain Significance.